The following is an entry in ClinVar:

NM_001009944.3(PKD1):c.10232G>C (p.Trp3411Ser)

Gene: PKD1 (polycystin 1, transient receptor potential channel interacting; minus strand). Cytogenetic location: 16p13.3.
Variant type: single nucleotide variant.
Coding change: c.10232G>C on transcript NM_001009944.3 (MANE Select); coding-DNA position 10232, G replaced by C.
Protein change: p.Trp3411Ser; replaces tryptophan 3411 with serine.
Molecular consequence: missense variant.
Genome position (GRCh38, 1-based): chr16:2,097,492, C>G on the plus strand (G>C on the coding strand, the complement: PKD1 is on the minus strand). VCF-style: chr16-2097492-C-G. GRCh37 (hg19) VCF-style: chr16-2147493-C-G.
Other names: c.10229G>C, p.Trp3410Ser (NM_000296.4); short protein forms W3410S, W3411S.
Identifiers: ClinVar variation 3213418 (VCV003213418.2), dbSNP rs549326097, ClinGen allele CA7829691.

ClinVar aggregate classification (germline): Uncertain significance. Review status: criteria provided, multiple submitters, no conflicts (2 of 4 stars). 2 submissions from 2 submitters: Uncertain significance (2). Last evaluated 2026-06-25.

Conditions:
Inborn genetic diseases. Identifiers: MedGen C0950123, MeSH D030342.
PKD1-related disorder. Also called: PKD1-related condition.

Allele frequency attached by ClinVar (database versions not stated): gnomAD 0.00001; gnomAD exomes 0.00002; ExAC 0.00003; TOPMed 0.00003.
gnomAD v4.1: 26 of 1,601,838 alleles (0.0016%); highest among the groups gnomAD compares: Middle Eastern, 0.02%; no homozygotes.

Submissions (2):

PreventionGenetics, part of Exact Sciences
Classification: Uncertain significance for PKD1-related condition. Last evaluated: 2026-06-25. Review status: criteria provided, single submitter. Criteria: ACMG Guidelines, 2015. Collection method: clinical testing. Allele origin: germline.
Comment: The PKD1 c.10232G>C variant is predicted to result in the amino acid substitution p.Trp3411Ser. To our knowledge, this variant has not been reported in the literature. This variant is reported in 0.0055% of alleles in individuals of East Asian descent in gnomAD. At this time, the clinical significance of this variant is uncertain due to the absence of conclusive functional and genetic evidence.

Ambry Genetics
Classification: Uncertain significance for Inborn genetic diseases. Last evaluated: 2023-12-20. Review status: criteria provided, single submitter. Criteria: Ambry Variant Classification Scheme 2023. Collection method: clinical testing. Allele origin: germline.